The following is an entry in ClinVar:

NM_004281.4(BAG3):c.667C>A (p.Pro223Thr)

Gene: BAG3 (BAG cochaperone 3; plus strand). Cytogenetic location: 10q26.11.
Variant type: single nucleotide variant.
Coding change: c.667C>A on transcript NM_004281.4 (MANE Select); coding-DNA position 667, C replaced by A.
Protein change: p.Pro223Thr; replaces proline 223 with threonine.
Molecular consequence: missense variant.
Genome position (GRCh38, 1-based): chr10:119,672,414, C>A. VCF-style: chr10-119672414-C-A. GRCh37 (hg19) VCF-style: chr10-121431926-C-A.
Other names: short protein forms P223T.
Identifiers: ClinVar variation 1754837 (VCV001754837.7), dbSNP rs1847164250, ClinGen allele CA378295546.

ClinVar aggregate classification (germline): Uncertain significance. Review status: criteria provided, multiple submitters, no conflicts (2 of 4 stars). 2 submissions from 2 submitters: Uncertain significance (2). Last evaluated 2023-08-10.

Conditions:
Cardiovascular phenotype. Identifiers: MedGen CN230736.
Myofibrillar myopathy 6. Identifiers: Orphanet 199340, MedGen C2751831, MONDO:0013061, OMIM 612954.
Dilated cardiomyopathy 1HH (CMD1HH). Identifiers: Orphanet 154, MedGen C3151293, MONDO:0013479, OMIM 613881.

gnomAD v4.1: 3 of 1,614,182 alleles (0.00019%); highest among the groups gnomAD compares: East Asian, 0.0022%; no homozygotes.

Submissions (2):

Labcorp Genetics (formerly Invitae), Labcorp
Classification: Uncertain significance for Dilated cardiomyopathy 1HH; Myofibrillar myopathy 6. Last evaluated: 2023-08-10. Review status: criteria provided, single submitter. Criteria: Invitae Variant Classification Sherloc (09022015). Collection method: clinical testing. Allele origin: germline.
Comment: An algorithm developed to predict the effect of missense changes on protein structure and function (PolyPhen-2) suggests that this variant is likely to be disruptive. ClinVar contains an entry for this variant (Variation ID: 1754837). This variant has not been reported in the literature in individuals affected with BAG3-related conditions. This variant is not present in population databases (gnomAD no frequency). This sequence change replaces proline, which is neutral and non-polar, with threonine, which is neutral and polar, at codon 223 of the BAG3 protein (p.Pro223Thr). In summary, the available evidence is currently insufficient to determine the role of this variant in disease. Therefore, it has been classified as a Variant of Uncertain Significance.

Ambry Genetics
Classification: Uncertain significance for Cardiovascular phenotype. Last evaluated: 2021-07-04. Review status: criteria provided, single submitter. Criteria: Ambry Variant Classification Scheme 2023. Collection method: clinical testing. Allele origin: germline.
Comment: The p.P223T variant (also known as c.667C>A), located in coding exon 3 of the BAG3 gene, results from a C to A substitution at nucleotide position 667. The proline at codon 223 is replaced by threonine, an amino acid with highly similar properties. This amino acid position is conserved. In addition, the in silico prediction for this alteration is inconclusive. Since supporting evidence is limited at this time, the clinical significance of this alteration remains unclear.